The following is an entry in ClinVar:

ClinVar aggregate classification (germline): Pathogenic (3 of 4 stars; one submission).

Conditions:
Breast-ovarian cancer, familial, susceptibility to, 1 (BROVCA1). Also called: BRCA1 Hereditary Breast and Ovarian Cancer; OVARIAN CANCER, SUSCEPTIBILITY TO. Identifiers: Orphanet 145, MedGen C2676676, MONDO:0011450, OMIM 604370. Disease mechanism: loss of function.

Allele frequency attached by ClinVar (database versions not stated): gnomAD exomes below 0.00001; ExAC 0.00001.

Submission:

Evidence-based Network for the Interpretation of Germline Mutant Alleles (ENIGMA)
Classification: Pathogenic for Breast-ovarian cancer, familial, susceptibility to, 1. Last evaluated: 2016-09-08. Review status: reviewed by expert panel. Criteria: ENIGMA BRCA1/2 Classification Criteria (2015). Collection method: curation. Allele origin: germline.
Comment: Variant allele predicted to encode a truncated non-functional protein.

NM_007294.4(BRCA1):c.5391del (p.Phe1798fs)

Gene: BRCA1 (BRCA1 DNA repair associated; minus strand). Cytogenetic location: 17q21.31.
Variant type: Deletion.
Coding change: c.5391del on transcript NM_007294.4 (MANE Select); coding-DNA position 5391, one base deleted (A; older notation c.5391delA).
Protein change: p.Phe1798fs; shifts the reading frame from phenylalanine 1798.
Molecular consequence: frameshift variant. On other transcripts: non-coding transcript variant (1), intron variant (1).
Genome position (GRCh38, 1-based): chr17:43,049,136, T deleted on the plus strand (A on the coding strand, the reverse complement: BRCA1 is on the minus strand). VCF-style (leftmost placement, unchanged base first): chr17-43049135-AT-A. GRCh37 (hg19) VCF-style: chr17-41201152-AT-A.
Other names: c.5265delA, p.Phe1756Serfs (NM_001407672.1, NM_001407673.1, NM_001407674.1 and 8 more transcripts); c.5262delA, p.Phe1755Serfs (NM_001407681.1, NM_001407682.1, NM_001407683.1 and 5 more transcripts); c.5259delA, p.Phe1754Serfs (NM_001407690.1, NM_001407691.1); c.5250delA, p.Phe1751Serfs (NM_001407692.1, NM_001407694.1, NM_001407695.1 and 11 more transcripts); c.5247delA, p.Phe1750Serfs (NM_001407732.1, NM_001407733.1, NM_001407734.1 and 18 more transcripts); c.5244delA, p.Phe1749Serfs (NM_001407838.1, NM_001407839.1, NM_001407841.1 and 12 more transcripts); c.5190delA, p.Phe1731Serfs (NM_001407862.1); c.5187delA, p.Phe1730Serfs (NM_001407863.1); and 75 more; short protein forms F1798fs, F694fs, F1751fs, F1819fs.
Identifiers: ClinVar variation 254469 (VCV000254469.3), dbSNP rs774988515, ClinGen allele CA054811.